The following is an entry in ClinVar:

NM_004646.4(NPHS1):c.2227del (p.Arg743fs)

Gene: NPHS1 (NPHS1 adhesion molecule, nephrin; minus strand). Cytogenetic location: 19q13.12.
Variant type: Deletion.
Coding change: c.2227del on transcript NM_004646.4 (MANE Select); coding-DNA position 2227, one base deleted (C; older notation c.2227delC).
Protein change: p.Arg743fs; shifts the reading frame from arginine 743.
Molecular consequence: frameshift variant.
Genome position (GRCh38, 1-based): chr19:35,843,579, G deleted on the plus strand (C on the coding strand, the reverse complement: NPHS1 is on the minus strand); the first of 2 consecutive G bases (chr19:35,843,579-35,843,580); deleting either gives the same sequence. VCF-style (leftmost placement, unchanged base first): chr19-35843578-CG-C. GRCh37 (hg19) VCF-style: chr19-36334480-CG-C.
Other names: c.2227delC (NM_004646.3); short protein forms R743fs.
Identifiers: ClinVar variation 56470 (VCV000056470.2), dbSNP rs386833910, ClinGen allele CA250180.

ClinVar aggregate classification (germline): Likely pathogenic (0 of 4 stars; one submission).

Conditions:
Finnish congenital nephrotic syndrome (NPHS1). Also called: NEPHROTIC SYNDROME, TYPE 1. Identifiers: Orphanet 839, MedGen C0403399, MONDO:0009732, OMIM 256300.

Submission:

Juha Muilu Group; Institute for Molecular Medicine Finland (FIMM)
Classification: Likely pathogenic for Finnish congenital nephrotic syndrome. Review status: no assertion criteria provided. Collection method: not provided. Allele origin: unknown.
Comment: FinDis database variant: This variant was not found or characterized by our laboratory, data were collected from public sources: see reference
ClinVar note: Converted during submission from probable-pathogenic to Likely pathogenic.